The following is an entry in ClinVar:

ClinVar aggregate classification (germline): Uncertain significance. Review status: criteria provided, multiple submitters, no conflicts (2 of 4 stars). 2 submissions from 2 submitters: Uncertain significance (2). Last evaluated 2026-01-01.

Allele frequency attached by ClinVar (database versions not stated): gnomAD 0.00003; gnomAD exomes 0.00003; TOPMed 0.00003; ExAC 0.00004.
gnomAD v4.1: 53 of 1,613,018 alleles (0.0033%); highest among the groups gnomAD compares: Middle Eastern, 0.016%; no homozygotes.

Submissions (2):

CeGaT Center for Human Genetics Tuebingen
Classification: Uncertain significance. Last evaluated: 2026-01-01. Review status: criteria provided, single submitter. Criteria: CeGaT Center For Human Genetics Tuebingen Variant Classification Criteria Version 2. Collection method: clinical testing. Allele origin: germline. Affected: yes. Observed: 1 variant allele.
Comment: GALC: PM2

Mayo Clinic Laboratories, Mayo Clinic
Classification: Uncertain significance. Last evaluated: 2022-07-21. Review status: criteria provided, single submitter. Criteria: ACMG Guidelines, 2015. Collection method: clinical testing. Allele origin: germline. Observed: 1 variant allele.
Comment: BP4, PM2

NM_000153.4(GALC):c.2053C>T (p.Arg685Cys)

Gene: GALC (galactosylceramidase; minus strand). Cytogenetic location: 14q31.3.
Variant type: single nucleotide variant.
Coding change: c.2053C>T on transcript NM_000153.4 (MANE Select); coding-DNA position 2053, C replaced by T.
Protein change: p.Arg685Cys; replaces arginine 685 with cysteine.
Molecular consequence: missense variant. On other transcripts: non-coding transcript variant (1), intron variant (1).
Genome position (GRCh38, 1-based): chr14:87,934,737, G>A on the plus strand (C>T on the coding strand, the complement: GALC is on the minus strand). VCF-style: chr14-87934737-G-A. GRCh37 (hg19) VCF-style: chr14-88401081-G-A.
Other names: p.Arg685Cys; c.1984C>T, p.Arg662Cys (NM_001201401.2); c.1975C>T, p.Arg659Cys (NM_001201402.2); c.1885C>T, p.Arg629Cys (NM_001424071.1, NM_001424072.1); c.1705C>T, p.Arg569Cys (NM_001424074.1, NM_001424075.1); c.1420C>T, p.Arg474Cys (NM_001424076.1, NM_001424077.1); c.1744-738C>T (NM_001424073.1); short protein forms R474C, R569C, R629C, R659C, R662C, R685C.
Identifiers: ClinVar variation 2683272 (VCV002683272.5), dbSNP rs756141815, ClinGen allele CA7296824.